The following is an entry in ClinVar:

ClinVar aggregate classification (germline): Uncertain significance (1 of 4 stars; one submission).

Allele frequency attached by ClinVar (database versions not stated): ExAC 0.00001; gnomAD 0.00001; TOPMed 0.00002; ESP Exome Variant Server 0.00008.
gnomAD v4.1: 23 of 1,610,726 alleles (0.0014%); highest among the groups gnomAD compares: East Asian, 0.0022%; no homozygotes.

Submission:

Labcorp Genetics (formerly Invitae), Labcorp
Classification: Uncertain significance. Last evaluated: 2024-10-16. Review status: criteria provided, single submitter. Criteria: Invitae Variant Classification Sherloc (09022015). Collection method: clinical testing. Allele origin: germline.
Comment: This sequence change replaces arginine, which is basic and polar, with cysteine, which is neutral and slightly polar, at codon 533 of the CACNA1E protein (p.Arg533Cys). This variant is present in population databases (rs373651535, gnomAD 0.0009%). This variant has not been reported in the literature in individuals affected with CACNA1E-related conditions. ClinVar contains an entry for this variant (Variation ID: 1959470). Invitae Evidence Modeling of protein sequence and biophysical properties (such as structural, functional, and spatial information, amino acid conservation, physicochemical variation, residue mobility, and thermodynamic stability) has been performed for this missense variant. However, the output from this modeling did not meet the statistical confidence thresholds required to predict the impact of this variant on CACNA1E protein function. In summary, the available evidence is currently insufficient to determine the role of this variant in disease. Therefore, it has been classified as a Variant of Uncertain Significance.

NM_001205293.3(CACNA1E):c.1597C>T (p.Arg533Cys)

Gene: CACNA1E (calcium voltage-gated channel subunit alpha1 E; plus strand). Cytogenetic location: 1q25.3.
Variant type: single nucleotide variant.
Coding change: c.1597C>T on transcript NM_001205293.3 (MANE Select); coding-DNA position 1597, C replaced by T.
Protein change: p.Arg533Cys; replaces arginine 533 with cysteine.
Molecular consequence: missense variant.
Genome position (GRCh38, 1-based): chr1:181,718,126, C>T. VCF-style: chr1-181718126-C-T. GRCh37 (hg19) VCF-style: chr1-181687262-C-T.
Other names: c.1597C>T, p.Arg533Cys (NM_000721.4, NM_001205294.2); short protein forms R533C.
Identifiers: ClinVar variation 1959470 (VCV001959470.5), dbSNP rs373651535, ClinGen allele CA1275150.